The following is an entry in ClinVar:

ClinVar aggregate classification (germline): Uncertain significance (1 of 4 stars; one submission).

gnomAD v4.1: 4 of 1,613,662 alleles (0.00025%); highest among the groups gnomAD compares: East Asian, 0.0089%; no homozygotes.

Submission:

Labcorp Genetics (formerly Invitae), Labcorp
Classification: Uncertain significance. Last evaluated: 2024-10-29. Review status: criteria provided, single submitter. Criteria: Invitae Variant Classification Sherloc (09022015). Collection method: clinical testing. Allele origin: germline.
Comment: This sequence change replaces isoleucine, which is neutral and non-polar, with threonine, which is neutral and polar, at codon 74 of the EIF2AK2 protein (p.Ile74Thr). This variant is present in population databases (no rsID available, gnomAD 0.02%). This variant has not been reported in the literature in individuals affected with EIF2AK2-related conditions. An algorithm developed to predict the effect of missense changes on protein structure and function outputs the following: PolyPhen-2: "Benign". The threonine amino acid residue is found in multiple mammalian species, which suggests that this missense change does not adversely affect protein function. In summary, the available evidence is currently insufficient to determine the role of this variant in disease. Therefore, it has been classified as a Variant of Uncertain Significance.

NM_001135651.3(EIF2AK2):c.221T>C (p.Ile74Thr)

Gene: EIF2AK2 (eukaryotic translation initiation factor 2 alpha kinase 2; minus strand). Cytogenetic location: 2p22.2.
Variant type: single nucleotide variant.
Coding change: c.221T>C on transcript NM_001135651.3 (MANE Select); coding-DNA position 221, T replaced by C.
Protein change: p.Ile74Thr; replaces isoleucine 74 with threonine.
Molecular consequence: missense variant.
Genome position (GRCh38, 1-based): chr2:37,146,872, A>G on the plus strand (T>C on the coding strand, the complement: EIF2AK2 is on the minus strand). VCF-style: chr2-37146872-A-G. GRCh37 (hg19) VCF-style: chr2-37374015-A-G.
Other names: c.221T>C, p.Ile74Thr (NM_001135652.3, NM_002759.4); short protein forms I74T.
Identifiers: ClinVar variation 3678236 (VCV003678236.2).